The following is an entry in ClinVar:

ClinVar aggregate classification (germline): Likely benign. Review status: criteria provided, multiple submitters, no conflicts (2 of 4 stars). 3 submissions from 3 submitters: Likely benign (3). Last evaluated 2026-01-31.

Conditions:
APC-related disorder. Also called: APC-related condition.
Familial adenomatous polyposis 1 (FAP1). Also called: FAMILIAL ADENOMATOUS POLYPOSIS 1, ATTENUATED; POLYPOSIS, ADENOMATOUS INTESTINAL. Identifiers: MedGen C2713442, MONDO:0021056, OMIM 175100. Disease mechanism: loss of function.

Allele frequency attached by ClinVar (database versions not stated): TOPMed 0.00006.

Submissions (3):

Labcorp Genetics (formerly Invitae), Labcorp
Classification: Likely benign for Familial adenomatous polyposis 1. Last evaluated: 2026-01-31. Review status: criteria provided, single submitter. Criteria: Invitae Variant Classification Sherloc (09022015). Collection method: clinical testing. Allele origin: germline.

Center for Genomic Medicine, Rigshospitalet, Copenhagen University Hospital
Classification: Likely benign. Last evaluated: 2025-12-29. Review status: criteria provided, single submitter. Criteria: ACMG Guidelines, 2015. Collection method: clinical testing. Allele origin: germline.

PreventionGenetics, part of Exact Sciences
Classification: Likely benign for APC-related condition. Last evaluated: 2025-10-03. Review status: criteria provided, single submitter. Criteria: ACMG Guidelines, 2015. Collection method: clinical testing. Allele origin: germline.
Comment: This variant is classified as likely benign based on ACMG/AMP sequence variant interpretation guidelines (Richards et al. 2015 PMID: 25741868, with internal and published modifications).

NM_001127511.3(APC):c.-130G>C

Gene: APC (APC regulator of Wnt signaling pathway; plus strand). Cytogenetic location: 5q22.2.
Variant type: single nucleotide variant.
Coding change: c.-130G>C on transcript NM_001127511.3; 130 bases upstream of the start codon, G replaced by C.
Molecular consequence: 5 prime UTR variant. On other transcripts: non-coding transcript variant (2).
Genome position (GRCh38, 1-based): chr5:112,707,588, G>C. VCF-style: chr5-112707588-G-C. GRCh37 (hg19) VCF-style: chr5-112043285-G-C.
Other names: c.-313G>C (NM_001354895.2, NM_001407447.1, NM_001407452.1 and 3 more transcripts); c.-130G>C (NM_001354897.2, NM_001354902.2, NM_001407446.1); c.-80G>C (NM_001407448.1, NM_001407450.1, NM_001407457.1 and 1 more transcripts); c.-104G>C (NM_001407453.1); c.-1348G>C (NM_001407470.1, NM_001407472.1).
Identifiers: ClinVar variation 469829 (VCV000469829.13), dbSNP rs1056513509, ClinGen allele CA124924964.